The following is an entry in ClinVar:

NM_001220.5(CAMK2B):c.1977C>T (p.Gly659=)

Gene: CAMK2B (calcium/calmodulin dependent protein kinase II beta; minus strand). Cytogenetic location: 7p13.
Variant type: single nucleotide variant.
Coding change: c.1977C>T on transcript NM_001220.5 (MANE Select); coding-DNA position 1977, C replaced by T.
Protein change: p.Gly659=; no amino-acid change (glycine 659 retained).
Molecular consequence: synonymous variant.
Genome position (GRCh38, 1-based): chr7:44,220,086, G>A on the plus strand (C>T on the coding strand, the complement: CAMK2B is on the minus strand). VCF-style: chr7-44220086-G-A. GRCh37 (hg19) VCF-style: chr7-44259685-G-A.
Other names: c.1605C>T, p.Gly535= (NM_001293170.2, NM_172078.3); c.1533C>T, p.Gly511= (NM_172079.3); c.1530C>T, p.Gly510= (NM_172080.3); c.1488C>T, p.Gly496= (NM_172081.3); c.1455C>T, p.Gly485= (NM_172082.3); c.1416C>T, p.Gly472= (NM_172083.3); c.1326C>T, p.Gly442= (NM_172084.3).
Identifiers: ClinVar variation 783493 (VCV000783493.13), dbSNP rs77158048, ClinGen allele CA4240051.

ClinVar aggregate classification (germline): Benign. Review status: criteria provided, single submitter (1 of 4 stars). 2 submissions from 2 submitters: Benign (1). 1 of the submissions does not count toward it. Last evaluated 2026-02-02.

Conditions:
CAMK2B-related disorder. Also called: CAMK2B-related condition.

Allele frequency attached by ClinVar (database versions not stated): gnomAD exomes 0.00372; ExAC 0.00891; 1000 Genomes Project 0.01138; 1000 Genomes Project 30x 0.01280; gnomAD 0.01357 and 0.01461; TOPMed 0.01556; ESP Exome Variant Server 0.01577.
gnomAD v4.1: 4,301 of 1,601,746 alleles (0.27%); highest among the groups gnomAD compares: African/African-American, 4.6%; 110 homozygotes.

Submissions (2):

Labcorp Genetics (formerly Invitae), Labcorp
Classification: Benign. Last evaluated: 2026-02-02. Review status: criteria provided, single submitter. Criteria: Invitae Variant Classification Sherloc (09022015). Collection method: clinical testing. Allele origin: germline.

PreventionGenetics, part of Exact Sciences
Classification: Benign for CAMK2B-related condition. Last evaluated: 2019-03-28. Review status: no assertion criteria provided. Collection method: clinical testing. Allele origin: germline. Not counted in ClinVar's aggregate classification.
Comment: This variant is classified as benign based on ACMG/AMP sequence variant interpretation guidelines (Richards et al. 2015 PMID: 25741868, with internal and published modifications).